The following is an entry in ClinVar:

NM_016630.7(SPG21):c.223G>A (p.Ala75Thr)

Gene: SPG21 (SPG21 abhydrolase domain containing, maspardin; minus strand). Cytogenetic location: 15q22.31.
Variant type: single nucleotide variant.
Coding change: c.223G>A on transcript NM_016630.7 (MANE Select); coding-DNA position 223, G replaced by A.
Protein change: p.Ala75Thr; replaces alanine 75 with threonine.
Molecular consequence: missense variant.
Genome position (GRCh38, 1-based): chr15:64,980,866, C>T on the plus strand (G>A on the coding strand, the complement: SPG21 is on the minus strand). VCF-style: chr15-64980866-C-T. GRCh37 (hg19) VCF-style: chr15-65273204-C-T.
Other names: c.223G>A, p.Ala75Thr (NM_001127889.5, NM_001127890.5); short protein forms A75T.
Identifiers: ClinVar variation 241114 (VCV000241114.6), dbSNP rs760497590, ClinGen allele CA7613045.
Genomic context (GRCh38, chr15:64,980,866, plus strand): 5'-GCATAAAAAAAAAAAAACACACAAAACGTGGGTCTGAATTTTAATCAGTAATACTTACAG[C>T]GATAACCCGGTAACCCCATCCAGTCAGAGCCAAAATCTGCCGGAAAAAGACATCTGCAGT-3'
Protein context (NP_057714.1, residues 65-85): ALTGWGYRVI[Ala75Thr]LQYPVYWDHL

ClinVar aggregate classification (germline): Uncertain significance. Review status: criteria provided, multiple submitters, no conflicts (2 of 4 stars). 2 submissions from 2 submitters: Uncertain significance (2). Last evaluated 2021-09-01.

Conditions:
Mast syndrome. Also called: SPASTIC PARAPLEGIA 21, AUTOSOMAL RECESSIVE. Identifiers: Orphanet 101001, MedGen C1855346, MONDO:0009568, OMIM 248900.

Allele frequency attached by ClinVar (database versions not stated): ExAC 0.00002; gnomAD exomes 0.00004 and 0.00006; TOPMed 0.00005; gnomAD 0.00009.
gnomAD v4.1: 113 of 1,612,980 alleles (0.007%); highest among the groups gnomAD compares: Middle Eastern, 0.016%; no homozygotes.

Submissions (2):

Labcorp Genetics (formerly Invitae), Labcorp
Classification: Uncertain significance for Mast syndrome. Last evaluated: 2021-09-01. Review status: criteria provided, single submitter. Criteria: Invitae Variant Classification Sherloc (09022015). Collection method: clinical testing. Allele origin: germline.
Comment: This sequence change replaces alanine with threonine at codon 75 of the SPG21 protein (p.Ala75Thr). The alanine residue is highly conserved and there is a small physicochemical difference between alanine and threonine. This variant is present in population databases (rs760497590, ExAC 0.01%). This variant has not been reported in the literature in individuals affected with SPG21-related conditions. ClinVar contains an entry for this variant (Variation ID: 241114). Algorithms developed to predict the effect of missense changes on protein structure and function are either unavailable or do not agree on the potential impact of this missense change (SIFT: "Deleterious"; PolyPhen-2: "Possibly Damaging"; Align-GVGD: "Class C0"). In summary, the available evidence is currently insufficient to determine the role of this variant in disease. Therefore, it has been classified as a Variant of Uncertain Significance.

Athena Diagnostics
Classification: Uncertain significance. Last evaluated: 2017-06-19. Review status: criteria provided, single submitter. Criteria: Athena Diagnostics Criteria. Collection method: clinical testing. Allele origin: germline.